The following is an entry in ClinVar:

NM_000500.9(CYP21A2):c.733C>A (p.His245Asn)

Genes: CYP21A2 (cytochrome P450 family 21 subfamily A member 2; plus strand), LOC106780800 (CYP21A2 recombination region; plus strand). Cytogenetic location: 6p21.33.
Variant type: single nucleotide variant.
Coding change: c.733C>A on transcript NM_000500.9 (MANE Select); coding-DNA position 733, C replaced by A.
Protein change: p.His245Asn; replaces histidine 245 with asparagine.
Molecular consequence: missense variant.
Genome position (GRCh38, 1-based): chr6:32,039,830, C>A. VCF-style: chr6-32039830-C-A. GRCh37 (hg19) VCF-style: chr6-32007607-C-A.
Other names: c.643C>A, p.His215Asn (NM_001128590.4); c.328C>A, p.His110Asn (NM_001368143.2, NM_001368144.2); short protein forms H110N, H215N, H245N.
Identifiers: ClinVar variation 4991315 (VCV004991315.1).

ClinVar aggregate classification (germline): Uncertain significance (1 of 4 stars; one submission).

Conditions:
CYP21A2-related disorder. Also called: CYP21A2-related condition.

Submission:

PreventionGenetics, part of Exact Sciences
Classification: Uncertain significance for CYP21A2-related condition. Last evaluated: 2025-08-26. Review status: criteria provided, single submitter. Criteria: ACMG Guidelines, 2015. Collection method: clinical testing. Allele origin: germline.
Comment: The CYP21A2 c.733C>A variant is predicted to result in the amino acid substitution p.His245Asn. To our knowledge, this variant has not been reported in the literature or in a large population database (gnomAD), indicating this variant is rare. This variant falls within a highly paralogous region. Allele frequency data should be interpreted with caution. At this time, the clinical significance of this variant is uncertain due to the absence of conclusive functional and genetic evidence.